The following is an entry in ClinVar:

ClinVar aggregate classification (germline): Likely benign (1 of 4 stars; one submission).

gnomAD v4.1: 60 of 1,613,988 alleles (0.0037%); highest among the groups gnomAD compares: South Asian, 0.0044%; no homozygotes.

Submission:

CeGaT Center for Human Genetics Tuebingen
Classification: Likely benign. Last evaluated: 2025-07-01. Review status: criteria provided, single submitter. Criteria: CeGaT Center For Human Genetics Tuebingen Variant Classification Criteria Version 2. Collection method: clinical testing. Allele origin: germline. Affected: yes. Observed: 1 variant allele.
Comment: CCDC32: BP4, BP7

NM_001080792.4(CCDC32):c.18C>T (p.Ser6=)

Gene: CCDC32 (coiled-coil domain containing 32; minus strand). Cytogenetic location: 15q15.1.
Variant type: single nucleotide variant.
Coding change: c.18C>T on transcript NM_001080792.4 (MANE Select); coding-DNA position 18, C replaced by T.
Protein change: p.Ser6=; no amino-acid change (serine 6 retained).
Molecular consequence: synonymous variant.
Genome position (GRCh38, 1-based): chr15:40,562,998, G>A on the plus strand (C>T on the coding strand, the complement: CCDC32 is on the minus strand). VCF-style: chr15-40562998-G-A. GRCh37 (hg19) VCF-style: chr15-40855197-G-A.
Other names: c.18C>T, p.Ser6= (NM_001080791.4, NM_001289132.2, NM_001382434.1 and 9 more transcripts).
Identifiers: ClinVar variation 4084024 (VCV004084024.8).